The following is an entry in ClinVar:

ClinVar aggregate classification (germline): Uncertain significance (1 of 4 stars; one submission).

Conditions:
Inborn genetic diseases. Identifiers: MedGen C0950123, MeSH D030342.

Submission:

Ambry Genetics
Classification: Uncertain significance for Inborn genetic diseases. Last evaluated: 2025-04-19. Review status: criteria provided, single submitter. Criteria: Ambry Variant Classification Scheme 2023. Collection method: clinical testing. Allele origin: germline.
Comment: The p.K1749N variant (also known as c.5247A>C), located in coding exon 20 of the FANCM gene, results from an A to C substitution at nucleotide position 5247. The lysine at codon 1749 is replaced by asparagine, an amino acid with similar properties. This amino acid position is conserved. In addition, this alteration is predicted to be tolerated by in silico analysis. Based on the available evidence, the clinical significance of this variant remains unclear.

NM_020937.4(FANCM):c.5247A>C (p.Lys1749Asn)

Gene: FANCM (FA complementation group M; plus strand). Cytogenetic location: 14q21.2.
Variant type: single nucleotide variant.
Coding change: c.5247A>C on transcript NM_020937.4 (MANE Select); coding-DNA position 5247, A replaced by C.
Protein change: p.Lys1749Asn; replaces lysine 1749 with asparagine.
Molecular consequence: missense variant.
Genome position (GRCh38, 1-based): chr14:45,189,269, A>C. VCF-style: chr14-45189269-A-C. GRCh37 (hg19) VCF-style: chr14-45658472-A-C.
Other names: c.5169A>C, p.Lys1723Asn (NM_001308133.2); short protein forms K1749N, K1723N.
Identifiers: ClinVar variation 4022707 (VCV004022707.1).